The following is an entry in ClinVar:

ClinVar aggregate classification (germline): Uncertain significance (1 of 4 stars; one submission).

Conditions:
Cardiovascular phenotype. Identifiers: MedGen CN230736.

gnomAD v4.1: 4 of 1,612,726 alleles (0.00025%); highest among the groups gnomAD compares: African/African-American, 0.0053%; no homozygotes.

Submission:

Ambry Genetics
Classification: Uncertain significance for Cardiovascular phenotype. Last evaluated: 2019-12-19. Review status: criteria provided, single submitter. Criteria: Ambry Variant Classification Scheme 2023. Collection method: clinical testing. Allele origin: germline.
Comment: The p.V12157G variant (also known as c.36470T>G), located in coding exon 133 of the TTN gene, results from a T to G substitution at nucleotide position 36470. The valine at codon 12157 is replaced by glycine, an amino acid with dissimilar properties. This amino acid position is highly conserved in available vertebrate species. In addition, the in silico prediction for this alteration is inconclusive. Since supporting evidence is limited at this time, the clinical significance of this alteration remains unclear.

NM_001267550.2(TTN):c.63665T>G (p.Val21222Gly)

Genes: TTN (titin; minus strand), TTN-AS1 (TTN antisense RNA 1; plus strand). Cytogenetic location: 2q31.2.
Variant type: single nucleotide variant.
Coding change: c.63665T>G on transcript NM_001267550.2 (MANE Select); coding-DNA position 63665, T replaced by G.
Protein change: p.Val21222Gly; replaces valine 21222 with glycine.
Molecular consequence: missense variant.
Genome position (GRCh38, 1-based): chr2:178,587,644, A>C on the plus strand (T>G on the coding strand, the complement: TTN is on the minus strand). VCF-style: chr2-178587644-A-C. GRCh37 (hg19) VCF-style: chr2-179452371-A-C.
Other names: c.58742T>G, p.Val19581Gly (NM_001256850.1); c.36470T>G, p.Val12157Gly (NM_003319.4); c.55961T>G, p.Val18654Gly (NM_133378.4); c.36845T>G, p.Val12282Gly (NM_133432.3); c.37046T>G, p.Val12349Gly (NM_133437.4); short protein forms V12349G, V21222G, V12282G, V18654G, V12157G, V19581G.
Identifiers: ClinVar variation 1733560 (VCV001733560.2), dbSNP rs183595734, ClinGen allele CA349450551.